The following is an entry in ClinVar:

ClinVar aggregate classification (germline): Conflicting classifications of pathogenicity. Review status: criteria provided, conflicting classifications (1 of 4 stars). 4 submissions from 4 submitters: Uncertain significance (3); Likely benign (1). Last evaluated 2025-08-12.

Conditions:
Hereditary cancer-predisposing syndrome. Also called: Hereditary Cancer Syndrome; Tumor predisposition; Neoplastic Syndromes, Hereditary; Hereditary neoplastic syndrome. Identifiers: Orphanet 140162, MedGen C0027672, MeSH D009386, MONDO:0015356.
Hereditary breast ovarian cancer syndrome. Also called: Hereditary breast and ovarian cancer syndrome; Hereditary breast and ovarian cancer; Hereditary breast and ovarian cancer syndrome (HBOC); BRCA1- and BRCA2-Associated Hereditary Breast and Ovarian Cancer; Hereditary breast and/or ovarian cancer syndrome; Breast and ovarian cancer. Identifiers: Orphanet 145, MedGen C0677776, MeSH D061325, MONDO:0003582. Disease mechanism: loss of function.

Allele frequency attached by ClinVar (database versions not stated): TOPMed below 0.00001.

Submissions (4):

Ambry Genetics
Classification: Uncertain significance for Hereditary cancer-predisposing syndrome. Last evaluated: 2025-08-12. Review status: criteria provided, single submitter. Criteria: Ambry Variant Classification Scheme 2023. Collection method: clinical testing. Allele origin: germline.
Comment: The p.M1090I variant (also known as c.3270G>A), located in coding exon 10 of the BRCA2 gene, results from a G to A substitution at nucleotide position 3270. The methionine at codon 1090 is replaced by isoleucine, an amino acid with highly similar properties. This amino acid position is poorly conserved in available vertebrate species. In addition, this alteration is predicted to be tolerated by in silico analysis. Since supporting evidence is limited at this time, the clinical significance of this alteration remains unclear.

Labcorp Genetics (formerly Invitae), Labcorp
Classification: Uncertain significance for Hereditary breast ovarian cancer syndrome. Last evaluated: 2025-06-23. Review status: criteria provided, single submitter. Criteria: Invitae Variant Classification Sherloc (09022015). Collection method: clinical testing. Allele origin: germline.
Comment: This sequence change replaces methionine, which is neutral and non-polar, with isoleucine, which is neutral and non-polar, at codon 1090 of the BRCA2 protein (p.Met1090Ile). This variant is not present in population databases (gnomAD no frequency). This variant has not been reported in the literature in individuals affected with BRCA2-related conditions. ClinVar contains an entry for this variant (Variation ID: 1330103). Invitae Evidence Modeling of protein sequence and biophysical properties (such as structural, functional, and spatial information, amino acid conservation, physicochemical variation, residue mobility, and thermodynamic stability) indicates that this missense variant is not expected to disrupt BRCA2 protein function with a negative predictive value of 95%. In summary, the available evidence is currently insufficient to determine the role of this variant in disease. Therefore, it has been classified as a Variant of Uncertain Significance.

University of Washington Department of Laboratory Medicine, University of Washington
Classification: Likely benign for Hereditary cancer-predisposing syndrome. Last evaluated: 2023-03-23. Review status: criteria provided, single submitter. Criteria: Dines et al. (Genet Med. 2020). Collection method: curation. Allele origin: germline.
Comment: Missense variant in a coldspot region where missense variants are very unlikely to be pathogenic (PMID:31911673).

BRCA2 exon 11 coldspot. Reclassification based on statistical prior probability.

Quest Diagnostics Nichols Institute San Juan Capistrano
Classification: Uncertain significance. Last evaluated: 2021-04-08. Review status: criteria provided, single submitter. Criteria: Quest Diagnostics criteria. Collection method: clinical testing. Allele origin: unknown.

NM_000059.4(BRCA2):c.3270G>A (p.Met1090Ile)

Gene: BRCA2 (BRCA2 DNA repair associated; plus strand). Cytogenetic location: 13q13.1.
Variant type: single nucleotide variant.
Coding change: c.3270G>A on transcript NM_000059.4 (MANE Select); coding-DNA position 3270, G replaced by A.
Protein change: p.Met1090Ile; replaces methionine 1090 with isoleucine.
Molecular consequence: missense variant.
Genome position (GRCh38, 1-based): chr13:32,337,625, G>A. VCF-style: chr13-32337625-G-A. GRCh37 (hg19) VCF-style: chr13-32911762-G-A.
Other names: short protein forms M1090I.
Identifiers: ClinVar variation 1330103 (VCV001330103.11), dbSNP rs80358574, ClinGen allele CA387776048.